The following is an entry in ClinVar:

ClinVar aggregate classification (germline): Uncertain significance. Review status: criteria provided, multiple submitters, no conflicts (2 of 4 stars). 2 submissions from 2 submitters: Uncertain significance (2). Last evaluated 2026-01-11.

Conditions:
Mucopolysaccharidosis, MPS-III-A (MPS3A). Also called: Mucopolysaccharidosis, type IIIA; mucopolysaccharidosis type 3A; MPS IIIA (Sanfilippo Syndrome Type A); HEPARAN SULFATE SULFATASE DEFICIENCY; Mucopolysaccharidosis type IIIA (Sanfilippo A); SANFILIPPO SYNDROME A. Identifiers: Orphanet 581, Orphanet 79269, MedGen C0086647, MONDO:0009655, OMIM 252900.
SGSH-related disorder. Also called: SGSH-related condition.

Allele frequency attached by ClinVar (database versions not stated): ExAC 0.00003; gnomAD 0.00004; gnomAD exomes 0.00002 and 0.00006; TOPMed 0.00003; ESP Exome Variant Server 0.00015.

Submissions (2):

PreventionGenetics, part of Exact Sciences
Classification: Uncertain significance for SGSH-related condition. Last evaluated: 2026-01-11. Review status: criteria provided, single submitter. Criteria: ACMG Guidelines, 2015. Collection method: clinical testing. Allele origin: germline.
Comment: The SGSH c.1042C>T variant is predicted to result in the amino acid substitution p.Leu348Phe. To our knowledge, this variant has not been reported in the literature. This variant is reported in 0.0040% of alleles in individuals of African descent in gnomAD. At this time, the clinical significance of this variant is uncertain due to the absence of conclusive functional and genetic evidence.

Labcorp Genetics (formerly Invitae), Labcorp
Classification: Uncertain significance for Mucopolysaccharidosis, MPS-III-A. Last evaluated: 2023-12-13. Review status: criteria provided, single submitter. Criteria: Invitae Variant Classification Sherloc (09022015). Collection method: clinical testing. Allele origin: germline.
Comment: This sequence change replaces leucine, which is neutral and non-polar, with phenylalanine, which is neutral and non-polar, at codon 348 of the SGSH protein (p.Leu348Phe). This variant is present in population databases (rs146494740, gnomAD 0.004%). This variant has not been reported in the literature in individuals affected with SGSH-related conditions. ClinVar contains an entry for this variant (Variation ID: 1396413). Advanced modeling of protein sequence and biophysical properties (such as structural, functional, and spatial information, amino acid conservation, physicochemical variation, residue mobility, and thermodynamic stability) has been performed at Invitae for this missense variant, however the output from this modeling did not meet the statistical confidence thresholds required to predict the impact of this variant on SGSH protein function. In summary, the available evidence is currently insufficient to determine the role of this variant in disease. Therefore, it has been classified as a Variant of Uncertain Significance.

NM_000199.5(SGSH):c.1042C>T (p.Leu348Phe)

Gene: SGSH (N-sulfoglucosamine sulfohydrolase; minus strand). Cytogenetic location: 17q25.3.
Variant type: single nucleotide variant.
Coding change: c.1042C>T on transcript NM_000199.5 (MANE Select); coding-DNA position 1042, C replaced by T.
Protein change: p.Leu348Phe; replaces leucine 348 with phenylalanine.
Molecular consequence: missense variant. On other transcripts: 3 prime UTR variant (2), non-coding transcript variant (1).
Genome position (GRCh38, 1-based): chr17:80,210,919, G>A on the plus strand (C>T on the coding strand, the complement: SGSH is on the minus strand). VCF-style: chr17-80210919-G-A. GRCh37 (hg19) VCF-style: chr17-78184718-G-A.
Other names: c.1042C>T (NM_000199.3); c.*129C>T (NM_001352921.3); c.*92C>T (NM_001352922.2); short protein forms L348F.
Identifiers: ClinVar variation 1396413 (VCV001396413.5), dbSNP rs146494740, ClinGen allele CA8817687.